The following is an entry in ClinVar:

NM_016373.4(WWOX):c.1204G>T (p.Glu402Ter)

Genes: MAF (MAF bZIP transcription factor; minus strand), WWOX (WW domain containing oxidoreductase; plus strand). Cytogenetic location: 16q23.2.
Variant type: single nucleotide variant.
Coding change: c.1204G>T on transcript NM_016373.4 (MANE Select); coding-DNA position 1204, G replaced by T.
Protein change: p.Glu402Ter; replaces glutamic acid 402 with a stop codon.
Molecular consequence: nonsense.
Genome position (GRCh38, 1-based): chr16:79,211,755, G>T. VCF-style: chr16-79211755-G-T. GRCh37 (hg19) VCF-style: chr16-79245652-G-T.
Other names: c.865G>T, p.Glu289Ter (NM_001291997.2); short protein forms E402*, E289*.
Identifiers: ClinVar variation 449683 (VCV000449683.6), dbSNP rs200839945, ClinGen allele CA396537277.

ClinVar aggregate classification (germline): Conflicting classifications of pathogenicity. Review status: criteria provided, conflicting classifications (1 of 4 stars). 4 submissions from 4 submitters: Likely pathogenic (2); Uncertain significance (2). Last evaluated 2025-08-12.

Conditions:
Developmental and epileptic encephalopathy, 28 (DEE28). Also called: Epileptic encephalopathy, early infantile, 28. Identifiers: Orphanet 442835, MedGen C4015519, MONDO:0014533, OMIM 616211.

gnomAD v4.1: 1 of 1,614,200 alleles (0.000062%); highest among the groups gnomAD compares: South Asian, 0.0011%; no homozygotes.

Submissions (4):

GeneDx
Classification: Likely pathogenic. Last evaluated: 2025-08-12. Review status: criteria provided, single submitter. Criteria: GeneDx Variant Classification Process June 2021. Collection method: clinical testing. Allele origin: germline. Affected: yes.
Comment: Nonsense variant predicted to result in protein truncation as the last 13 amino acid(s) are lost; Not observed at significant frequency in large population cohorts (gnomAD); Has not been previously published as pathogenic or benign to our knowledge; This variant is associated with the following publications: (PMID: 25411445)

Kids Research, The Children's Hospital at Westmead
Classification: Likely pathogenic for Developmental and epileptic encephalopathy, 28. Last evaluated: 2024-09-20. Review status: criteria provided, single submitter. Criteria: ACMG Guidelines, 2015. Collection method: research. Allele origin: germline. Affected: yes.
Comment: PVS1_Moderate, PM2, PM3

Revvity Omics, Revvity
Classification: Uncertain significance. Last evaluated: 2023-11-13. Review status: criteria provided, single submitter. Criteria: ACMG Guidelines, 2015. Collection method: clinical testing. Allele origin: germline.

Neuberg Centre For Genomic Medicine, NCGM
Classification: Uncertain significance for Developmental and epileptic encephalopathy, 28. Review status: criteria provided, single submitter. Criteria: ACMG Guidelines, 2015. Collection method: clinical testing. Allele origin: germline. Inheritance: Autosomal recessive inheritance. Affected: yes.
Comment: The stop gained p.E402* in WWOX (NM_016373.4) has not been reported previously as a pathogenic variant nor as a benign variant, to our knowledge. The p.E402* variant is novel (not in any individuals) in gnomAD Exomes and is novel (not in any individuals) in 1000 Genomes. The variant is predicted to be damaging by both SIFT and PolyPhen2. The residue is conserved across species. The nucleotide change in WWOX is predicted as conserved by GERP++ and PhyloP across 100 vertebrates. However since this variant is present in the last exon functional studies will be required to prove protein truncation. Hence the variant is classified as Uncertain Significance.